The following is an entry in ClinVar:

ClinVar aggregate classification (germline): Uncertain significance. Review status: criteria provided, multiple submitters, no conflicts (2 of 4 stars). 2 submissions from 2 submitters: Uncertain significance (2). Last evaluated 2025-09-28.

Conditions:
Granulomatous disease, chronic, autosomal recessive, cytochrome b-negative. Also called: GRANULOMATOUS DISEASE, CHRONIC, AUTOSOMAL RECESSIVE, 4; Chronic granulomatous disease, autosomal, due to deficiency of CYBA; CGD DUE TO DEFICIENCY OF THE ALPHA SUBUNIT OF CYTOCHROME b; CGD, AUTOSOMAL RECESSIVE CYTOCHROME b-NEGATIVE; CYBA DEFICIENCY. Identifiers: Orphanet 379, MedGen C1856255, MONDO:0009308, OMIM 233690.
Inborn genetic diseases. Identifiers: MedGen C0950123, MeSH D030342.

Allele frequency attached by ClinVar (database versions not stated): gnomAD 0.00006; TOPMed 0.00006.
gnomAD v4.1: 26 of 1,533,294 alleles (0.0017%); highest among the groups gnomAD compares: African/African-American, 0.018%; no homozygotes.

Submissions (2):

Labcorp Genetics (formerly Invitae), Labcorp
Classification: Uncertain significance for Granulomatous disease, chronic, autosomal recessive, cytochrome b-negative. Last evaluated: 2025-09-28. Review status: criteria provided, single submitter. Criteria: Invitae Variant Classification Sherloc (09022015). Collection method: clinical testing. Allele origin: germline.
Comment: This sequence change replaces arginine, which is basic and polar, with cysteine, which is neutral and slightly polar, at codon 164 of the CYBA protein (p.Arg164Cys). The frequency data for this variant in the population databases is considered unreliable, as metrics indicate poor data quality at this position in the gnomAD database. This variant has not been reported in the literature in individuals affected with CYBA-related conditions. ClinVar contains an entry for this variant (Variation ID: 2383641). An algorithm developed to predict the effect of missense changes on protein structure and function (PolyPhen-2) suggests that this variant is likely to be disruptive. In summary, the available evidence is currently insufficient to determine the role of this variant in disease. Therefore, it has been classified as a Variant of Uncertain Significance.

Ambry Genetics
Classification: Uncertain significance for Inborn genetic diseases. Last evaluated: 2022-02-10. Review status: criteria provided, single submitter. Criteria: Ambry Variant Classification Scheme 2023. Collection method: clinical testing. Allele origin: germline.

NM_000101.4(CYBA):c.490C>T (p.Arg164Cys)

Gene: CYBA (cytochrome b-245 alpha chain; minus strand). Cytogenetic location: 16q24.2.
Variant type: single nucleotide variant.
Coding change: c.490C>T on transcript NM_000101.4 (MANE Select); coding-DNA position 490, C replaced by T.
Protein change: p.Arg164Cys; replaces arginine 164 with cysteine.
Molecular consequence: missense variant.
Genome position (GRCh38, 1-based): chr16:88,643,451, G>A on the plus strand (C>T on the coding strand, the complement: CYBA is on the minus strand). VCF-style: chr16-88643451-G-A. GRCh37 (hg19) VCF-style: chr16-88709859-G-A.
Other names: short protein forms R164C.
Identifiers: ClinVar variation 2383641 (VCV002383641.3), dbSNP rs751340079, ClinGen allele CA8228188.